The following is an entry in ClinVar:

NM_020778.5(ALPK3):c.2306C>G (p.Pro769Arg)

Gene: ALPK3 (alpha kinase 3; plus strand). Cytogenetic location: 15q25.3.
Variant type: single nucleotide variant.
Coding change: c.2306C>G on transcript NM_020778.5 (MANE Select); coding-DNA position 2306, C replaced by G.
Protein change: p.Pro769Arg; replaces proline 769 with arginine.
Molecular consequence: missense variant.
Genome position (GRCh38, 1-based): chr15:84,857,044, C>G. VCF-style: chr15-84857044-C-G. GRCh37 (hg19) VCF-style: chr15-85400275-C-G.
Other names: short protein forms P769R.
Identifiers: ClinVar variation 1913613 (VCV001913613.5), dbSNP rs759400813, ClinGen allele CA393356691.

ClinVar aggregate classification (germline): Uncertain significance (1 of 4 stars; one submission).

gnomAD v4.1: 1 of 1,614,152 alleles (0.000062%); highest among the groups gnomAD compares: Non-Finnish European, 0.000085%; no homozygotes.

Submission:

Labcorp Genetics (formerly Invitae), Labcorp
Classification: Uncertain significance. Last evaluated: 2024-02-17. Review status: criteria provided, single submitter. Criteria: Invitae Variant Classification Sherloc (09022015). Collection method: clinical testing. Allele origin: germline.
Comment: This sequence change replaces proline, which is neutral and non-polar, with arginine, which is basic and polar, at codon 971 of the ALPK3 protein (p.Pro971Arg). This variant is not present in population databases (gnomAD no frequency). This variant has not been reported in the literature in individuals affected with ALPK3-related conditions. ClinVar contains an entry for this variant (Variation ID: 1913613). Advanced modeling of protein sequence and biophysical properties (such as structural, functional, and spatial information, amino acid conservation, physicochemical variation, residue mobility, and thermodynamic stability) performed at Invitae indicates that this missense variant is not expected to disrupt ALPK3 protein function with a negative predictive value of 80%. In summary, the available evidence is currently insufficient to determine the role of this variant in disease. Therefore, it has been classified as a Variant of Uncertain Significance.